The following is an entry in ClinVar:

ClinVar aggregate classification (germline): Uncertain significance (1 of 4 stars; one submission).

Conditions:
Inborn genetic diseases. Identifiers: MedGen C0950123, MeSH D030342.

Submission:

Ambry Genetics
Classification: Uncertain significance for Inborn genetic diseases. Last evaluated: 2026-02-28. Review status: criteria provided, single submitter. Criteria: Ambry Variant Classification Scheme 2023. Collection method: clinical testing. Allele origin: germline.
Comment: The p.C823R variant (also known as c.2467T>C), located in coding exon 19 of the BUB1B gene, results from a T to C substitution at nucleotide position 2467. The cysteine at codon 823 is replaced by arginine, an amino acid with highly dissimilar properties. This amino acid position is conserved. In addition, the in silico prediction for this alteration is inconclusive. Based on the available evidence, the clinical significance of this variant remains unclear.

NM_001211.6(BUB1B):c.2467T>C (p.Cys823Arg)

Gene: BUB1B (BUB1 mitotic checkpoint serine/threonine kinase B; plus strand). Cytogenetic location: 15q15.1.
Variant type: single nucleotide variant.
Coding change: c.2467T>C on transcript NM_001211.6 (MANE Select); coding-DNA position 2467, T replaced by C.
Protein change: p.Cys823Arg; replaces cysteine 823 with arginine.
Molecular consequence: missense variant.
Genome position (GRCh38, 1-based): chr15:40,212,580, T>C. VCF-style: chr15-40212580-T-C. GRCh37 (hg19) VCF-style: chr15-40504781-T-C.
Other names: short protein forms C823R.
Identifiers: ClinVar variation 4826651 (VCV004826651.1).